The following is an entry in ClinVar:

ClinVar aggregate classification (germline): Uncertain significance (1 of 4 stars; one submission).

Conditions:
LAMA5-related disorder. Also called: LAMA5-related condition; LAMA5-Related Disorders.

Submission:

PreventionGenetics, part of Exact Sciences
Classification: Uncertain significance for LAMA5-related condition. Last evaluated: 2023-06-01. Review status: criteria provided, single submitter. Criteria: ACMG Guidelines, 2015. Collection method: clinical testing. Allele origin: germline.
Comment: The LAMA5 c.9716A>T variant is predicted to result in the amino acid substitution p.Glu3239Val. To our knowledge, this variant has not been reported in the literature or in a large population database, indicating this variant is rare. At this time, the clinical significance of this variant is uncertain due to the absence of conclusive functional and genetic evidence.

NM_005560.6(LAMA5):c.9716A>T (p.Glu3239Val)

Gene: LAMA5 (laminin subunit alpha 5; minus strand). Cytogenetic location: 20q13.33.
Variant type: single nucleotide variant.
Coding change: c.9716A>T on transcript NM_005560.6 (MANE Select); coding-DNA position 9716, A replaced by T.
Protein change: p.Glu3239Val; replaces glutamic acid 3239 with valine.
Molecular consequence: missense variant.
Genome position (GRCh38, 1-based): chr20:62,311,704, T>A on the plus strand (A>T on the coding strand, the complement: LAMA5 is on the minus strand). VCF-style: chr20-62311704-T-A. GRCh37 (hg19) VCF-style: chr20-60886760-T-A.
Other names: short protein forms E3239V.
Identifiers: ClinVar variation 2632583 (VCV002632583.1), dbSNP rs775647554, ClinGen allele CA409539574.